The following is an entry in ClinVar:

ClinVar aggregate classification (germline): Likely benign. Review status: criteria provided, multiple submitters, no conflicts (2 of 4 stars). 3 submissions from 3 submitters: Likely benign (3). Last evaluated 2025-12-09.

Conditions:
Surfactant metabolism dysfunction, pulmonary, 4 (SMDP4). Also called: PAP DUE TO CSF2RA DEFICIENCY; PULMONARY ALVEOLAR PROTEINOSIS, CONGENITAL, 4; CSF2RA DEFICIENCY. Identifiers: Orphanet 264675, MedGen C2677877, MONDO:0010424, OMIM 300770.

Allele frequency attached by ClinVar (database versions not stated): gnomAD exomes 0.00041; 1000 Genomes Project 30x 0.00042; ExAC 0.00048; gnomAD 0.00195 and 0.00176; TOPMed 0.00209; 1000 Genomes Project 0.00053; ESP Exome Variant Server 0.00185.
gnomAD v4.1: 591 of 1,613,180 alleles (0.037%); highest among the groups gnomAD compares: African/African-American, 0.7%; no homozygotes.

Submissions (3):

Labcorp Genetics (formerly Invitae), Labcorp
Classification: Likely benign for Surfactant metabolism dysfunction, pulmonary, 4. Last evaluated: 2025-12-09. Review status: criteria provided, single submitter. Criteria: Invitae Variant Classification Sherloc (09022015). Collection method: clinical testing. Allele origin: germline.

Blueprint Genetics
Classification: Likely benign. Last evaluated: 2024-04-05. Review status: criteria provided, single submitter. Criteria: ACMG Guidelines, 2015. Collection method: clinical testing. Allele origin: germline.

Laboratory for Molecular Medicine, Mass General Brigham Personalized Medicine
Classification: Likely benign. Last evaluated: 2013-02-21. Review status: criteria provided, single submitter. Criteria: LMM Criteria. Collection method: clinical testing. Allele origin: germline. Observed: 1 variant allele.
Comment: Val333Met in exon 12 of CSF2RA: This variant is not expected to have clinical si gnificance because it has been identified in 0.5% (24/4406) of African American chromosomes from a broad population by the NHLBI Exome Sequencing Project (dbSNP rs150290042).

NM_172245.4(CSF2RA):c.997G>A (p.Val333Met)

Gene: CSF2RA (colony stimulating factor 2 receptor subunit alpha; plus strand). Cytogenetic location: Xp22.33.
Variant type: single nucleotide variant.
Coding change: c.997G>A on transcript NM_172245.4 (MANE Select); coding-DNA position 997, G replaced by A.
Protein change: p.Val333Met; replaces valine 333 with methionine.
Molecular consequence: missense variant. On other transcripts: non-coding transcript variant (1), intron variant (7).
Genome position (GRCh38, 1-based): chrX:1,303,973, G>A. VCF-style: chrX-1303973-G-A. GRCh37 (hg19) VCF-style: chrX-1422866-G-A.
Other names: c.997G>A, p.Val333Met (NM_001161529.2, NM_001161531.2, NM_001379155.1 and 9 more transcripts); c.1099G>A, p.Val367Met (NM_001161530.2, NM_001379153.1, NM_001379154.1); c.598G>A, p.Val200Met (NM_001161532.2); c.967G>A, p.Val323Met (NM_001379160.1); c.947-1473G>A (NM_001379167.1, NM_001379169.1, NM_172247.3 and 1 more transcripts); c.946+3347G>A (NM_172246.4); c.647-1473G>A (NM_172249.4); c.855-1473G>A (NM_001379166.1); short protein forms V367M, V333M, V200M, V323M.
Identifiers: ClinVar variation 537342 (VCV000537342.17), dbSNP rs150290042, ClinGen allele CA10331136.